The following is an entry in ClinVar:

NM_020937.4(FANCM):c.137C>G (p.Ala46Gly)

Gene: FANCM (FA complementation group M; plus strand). Cytogenetic location: 14q21.2.
Variant type: single nucleotide variant.
Coding change: c.137C>G on transcript NM_020937.4 (MANE Select); coding-DNA position 137, C replaced by G.
Protein change: p.Ala46Gly; replaces alanine 46 with glycine.
Molecular consequence: missense variant.
Genome position (GRCh38, 1-based): chr14:45,136,168, C>G. VCF-style: chr14-45136168-C-G. GRCh37 (hg19) VCF-style: chr14-45605371-C-G.
Other names: c.137C>G, p.Ala46Gly (NM_001308133.2, NM_001308134.2); short protein forms A46G.
Identifiers: ClinVar variation 4871167 (VCV004871167.1).

ClinVar aggregate classification (germline): Uncertain significance (1 of 4 stars; one submission).

Conditions:
Inborn genetic diseases. Identifiers: MedGen C0950123, MeSH D030342.

Submission:

Ambry Genetics
Classification: Uncertain significance for Inborn genetic diseases. Last evaluated: 2026-05-28. Review status: criteria provided, single submitter. Criteria: Ambry Variant Classification Scheme 2023. Collection method: clinical testing. Allele origin: germline.
Comment: The p.A46G variant (also known as c.137C>G), located in coding exon 1 of the FANCM gene, results from a C to G substitution at nucleotide position 137. The alanine at codon 46 is replaced by glycine, an amino acid with similar properties. This amino acid position is conserved. In addition, this alteration is predicted to be tolerated by in silico analysis. Based on the available evidence, the clinical significance of this variant remains unclear.